The following is an entry in ClinVar:

NM_001365999.1(SZT2):c.6927G>T (p.Leu2309Phe)

Gene: SZT2 (SZT2 subunit of KICSTOR complex; plus strand). Cytogenetic location: 1p34.2.
Variant type: single nucleotide variant.
Coding change: c.6927G>T on transcript NM_001365999.1 (MANE Select); coding-DNA position 6927, G replaced by T.
Protein change: p.Leu2309Phe; replaces leucine 2309 with phenylalanine.
Molecular consequence: missense variant.
Genome position (GRCh38, 1-based): chr1:43,439,654, G>T. VCF-style: chr1-43439654-G-T. GRCh37 (hg19) VCF-style: chr1-43905325-G-T.
Other names: c.6756G>T, p.Leu2252Phe (NM_015284.4); short protein forms L2252F, L2309F.
Identifiers: ClinVar variation 2574725 (VCV002574725.2), dbSNP rs2545846333, ClinGen allele CA340032694.

ClinVar aggregate classification (germline): Uncertain significance (1 of 4 stars; one submission).

Submission:

GeneDx
Classification: Uncertain significance. Last evaluated: 2025-11-13. Review status: criteria provided, single submitter. Criteria: GeneDx Variant Classification Process June 2021. Collection method: clinical testing. Allele origin: germline. Affected: yes.
Comment: Not observed at significant frequency in large population cohorts (gnomAD); In silico analysis suggests that this missense variant does not alter protein structure/function; Has not been previously published as pathogenic or benign to our knowledge